The following is an entry in ClinVar:

NM_001371727.1(GABRB2):c.539G>A (p.Ser180Asn)

Gene: GABRB2 (gamma-aminobutyric acid type A receptor subunit beta2; minus strand). Cytogenetic location: 5q34.
Variant type: single nucleotide variant.
Coding change: c.539G>A on transcript NM_001371727.1 (MANE Select); coding-DNA position 539, G replaced by A.
Protein change: p.Ser180Asn; replaces serine 180 with asparagine.
Molecular consequence: missense variant.
Genome position (GRCh38, 1-based): chr5:161,410,977, C>T on the plus strand (G>A on the coding strand, the complement: GABRB2 is on the minus strand). VCF-style: chr5-161410977-C-T. GRCh37 (hg19) VCF-style: chr5-160837983-C-T.
Other names: c.539G>A, p.Ser180Asn (NM_000813.3, NM_021911.3); short protein forms S180N.
Identifiers: ClinVar variation 4088027 (VCV004088027.1).

ClinVar aggregate classification (germline): Uncertain significance (1 of 4 stars; one submission).

Submission:

GeneDx
Classification: Uncertain significance. Last evaluated: 2025-03-26. Review status: criteria provided, single submitter. Criteria: GeneDx Variant Classification Process June 2021. Collection method: clinical testing. Allele origin: germline. Affected: yes.
Comment: Not observed at significant frequency in large population cohorts (gnomAD); In silico analysis supports that this missense variant has a deleterious effect on protein structure/function; Has not been previously published as pathogenic or benign to our knowledge